The following is an entry in ClinVar:

ClinVar aggregate classification (germline): Conflicting classifications of pathogenicity. Review status: criteria provided, conflicting classifications (1 of 4 stars). 3 submissions from 3 submitters: Uncertain significance (1); Likely benign (2). Last evaluated 2025-04-09.

Conditions:
Cardiovascular phenotype. Identifiers: MedGen CN230736.

Allele frequency attached by ClinVar (database versions not stated): gnomAD exomes 0.00001; TOPMed 0.00002; ExAC 0.00003.

Submissions (3):

Molecular Diagnostic Laboratory for Inherited Cardiovascular Disease, Montreal Heart Institute
Classification: Likely benign. Last evaluated: 2025-04-09. Review status: criteria provided, single submitter. Criteria: ACMG Guidelines, 2015. Collection method: clinical testing. Allele origin: germline. Affected: no.

Labcorp Genetics (formerly Invitae), Labcorp
Classification: Uncertain significance. Last evaluated: 2023-05-30. Review status: criteria provided, single submitter. Criteria: Invitae Variant Classification Sherloc (09022015). Collection method: clinical testing. Allele origin: germline.
Comment: ClinVar contains an entry for this variant (Variation ID: 1788741). This variant has not been reported in the literature in individuals affected with ALPK3-related conditions. This variant is present in population databases (rs777777303, gnomAD 0.01%). This sequence change replaces cysteine, which is neutral and slightly polar, with serine, which is neutral and polar, at codon 757 of the ALPK3 protein (p.Cys757Ser). Algorithms developed to predict the effect of missense changes on protein structure and function output the following: SIFT: "Not Available"; PolyPhen-2: "Benign"; Align-GVGD: "Not Available". The serine amino acid residue is found in multiple mammalian species, which suggests that this missense change does not adversely affect protein function. In summary, the available evidence is currently insufficient to determine the role of this variant in disease. Therefore, it has been classified as a Variant of Uncertain Significance.

Ambry Genetics
Classification: Likely benign for Cardiovascular phenotype. Last evaluated: 2021-06-15. Review status: criteria provided, single submitter. Criteria: Ambry Variant Classification Scheme 2023. Collection method: clinical testing. Allele origin: germline.

NM_020778.5(ALPK3):c.1663T>A (p.Cys555Ser)

Gene: ALPK3 (alpha kinase 3; plus strand). Cytogenetic location: 15q25.3.
Variant type: single nucleotide variant.
Coding change: c.1663T>A on transcript NM_020778.5 (MANE Select); coding-DNA position 1663, T replaced by A.
Protein change: p.Cys555Ser; replaces cysteine 555 with serine.
Molecular consequence: missense variant.
Genome position (GRCh38, 1-based): chr15:84,856,401, T>A. VCF-style: chr15-84856401-T-A. GRCh37 (hg19) VCF-style: chr15-85399632-T-A.
Other names: short protein forms C555S.
Identifiers: ClinVar variation 1788741 (VCV001788741.6), dbSNP rs777777303, ClinGen allele CA7709261.